The following is an entry in ClinVar:

NM_004082.5(DCTN1):c.2080G>A (p.Ala694Thr)

Gene: DCTN1 (dynactin subunit 1; minus strand). Cytogenetic location: 2p13.1.
Variant type: single nucleotide variant.
Coding change: c.2080G>A on transcript NM_004082.5 (MANE Select); coding-DNA position 2080, G replaced by A.
Protein change: p.Ala694Thr; replaces alanine 694 with threonine.
Molecular consequence: missense variant. On other transcripts: non-coding transcript variant (1).
Genome position (GRCh38, 1-based): chr2:74,367,800, C>T on the plus strand (G>A on the coding strand, the complement: DCTN1 is on the minus strand). VCF-style: chr2-74367800-C-T. GRCh37 (hg19) VCF-style: chr2-74594927-C-T.
Other names: c.2020G>A, p.Ala674Thr (NM_001135040.3); c.1678G>A, p.Ala560Thr (NM_001135041.3, NM_023019.4); c.1969G>A, p.Ala657Thr (NM_001190836.2); c.2059G>A, p.Ala687Thr (NM_001190837.2); c.2029G>A, p.Ala677Thr (NM_001378991.1); c.2011G>A, p.Ala671Thr (NM_001378992.1); short protein forms A671T, A657T, A674T, A677T, A694T, A560T, A687T.
Identifiers: ClinVar variation 1517304 (VCV001517304.8), dbSNP rs2103630505, ClinGen allele CA347351211.

ClinVar aggregate classification (germline): Uncertain significance (1 of 4 stars; one submission).

Conditions:
Amyotrophic lateral sclerosis type 1 (ALS1). Also called: AMYOTROPHIC LATERAL SCLEROSIS 1, FAMILIAL. Identifiers: Orphanet 803, MedGen C1862939, MONDO:0007103, OMIM 105400.
Perry syndrome. Also called: PARKINSONISM WITH ALVEOLAR HYPOVENTILATION AND MENTAL DEPRESSION. Identifiers: Orphanet 178509, MedGen C1868594, MONDO:0008201, OMIM 168605.
Neuronopathy, distal hereditary motor, type 7B. Also called: Distal Hereditary Motor Neuronopathy Type 7B (dHMN7B); HMN VIIB; LOWER MOTOR NEURON DISEASE, DYNACTIN TYPE; NEURONOPATHY, DISTAL HEREDITARY MOTOR, AUTOSOMAL DOMINANT 14; NEURONOPATHY, DISTAL HEREDITARY MOTOR, HARDING TYPE VIIB; NEUROPATHY, DISTAL HEREDITARY MOTOR, HARDING TYPE VIIB. Identifiers: Orphanet 139589, MedGen C1843315, MONDO:0011879, OMIM 607641.

Submission:

Labcorp Genetics (formerly Invitae), Labcorp
Classification: Uncertain significance for Amyotrophic lateral sclerosis type 1; Neuronopathy, distal hereditary motor, type 7B; Perry syndrome. Last evaluated: 2021-03-17. Review status: criteria provided, single submitter. Criteria: Invitae Variant Classification Sherloc (09022015). Collection method: clinical testing. Allele origin: germline.
Comment: In summary, the available evidence is currently insufficient to determine the role of this variant in disease. Therefore, it has been classified as a Variant of Uncertain Significance. Algorithms developed to predict the effect of missense changes on protein structure and function are either unavailable or do not agree on the potential impact of this missense change (SIFT: "Deleterious"; PolyPhen-2: "Benign"; Align-GVGD: "Class C55"). This variant has not been reported in the literature in individuals with DCTN1-related conditions. This variant is not present in population databases (ExAC no frequency). This sequence change replaces alanine with threonine at codon 694 of the DCTN1 protein (p.Ala694Thr). The alanine residue is highly conserved and there is a small physicochemical difference between alanine and threonine.